The following is an entry in ClinVar:

ClinVar aggregate classification (germline): Likely pathogenic (1 of 4 stars; one submission).

Conditions:
NPHP1-related disorder. Also called: NPHP1-related disorders; NPHP1-related condition.

Submission:

PreventionGenetics, part of Exact Sciences
Classification: Likely pathogenic for NPHP1-related condition. Last evaluated: 2026-01-22. Review status: criteria provided, single submitter. Criteria: ACMG Guidelines, 2015. Collection method: clinical testing. Allele origin: germline.
Comment: The NPHP1 c.1810+1G>T variant is predicted to disrupt the GT donor site and interfere with normal splicing. To our knowledge, this variant has not been reported in the literature or in a large population database (gnomAD), indicating this variant is rare. Variants that disrupt the consensus splice donor site in NPHP1 are expected to be pathogenic. This variant is interpreted as likely pathogenic.

NM_001128178.3(NPHP1):c.1642+1G>T

Gene: NPHP1 (nephrocystin 1; minus strand). Cytogenetic location: 2q13.
Variant type: single nucleotide variant.
Coding change: c.1642+1G>T on transcript NM_001128178.3 (MANE Select); the canonical splice donor site of the intron after coding-DNA position 1642, G replaced by T.
Molecular consequence: splice donor variant.
Genome position (GRCh38, 1-based): chr2:110,131,678, C>A on the plus strand (G>T on the coding strand, the complement: NPHP1 is on the minus strand). VCF-style: chr2-110131678-C-A. GRCh37 (hg19) VCF-style: chr2-110889255-C-A.
Other names: c.1453+1G>T (NM_001128179.3); c.1639+1G>T (NM_001374256.1); c.1642+1G>T (NM_001374257.1); c.1807+1G>T (NM_207181.4); c.1810+1G>T (NM_000272.5).
Identifiers: ClinVar variation 4994861 (VCV004994861.1).